The following is an entry in ClinVar:

ClinVar aggregate classification (germline): Uncertain significance. Review status: criteria provided, multiple submitters, no conflicts (2 of 4 stars). 3 submissions from 3 submitters: Uncertain significance (3). Last evaluated 2021-11-07.

Conditions:
Microcephaly, normal intelligence and immunodeficiency (NBS). Also called: IMMUNODEFICIENCY, MICROCEPHALY, AND CHROMOSOMAL INSTABILITY; SEEMANOVA SYNDROME II; Nijmegen breakage syndrome; Microcephaly with normal intelligence immunodeficiency and lymphoreticular malignancies; Nonsyndromal microcephaly autosomal recessive with normal intelligence; Seemanova syndrome 2. Identifiers: Orphanet 647, MedGen C0398791, MONDO:0009623, OMIM 251260.

Submissions (3):

Genome-Nilou Lab
Classification: Uncertain significance for Microcephaly, normal intelligence and immunodeficiency. Last evaluated: 2021-11-07. Review status: criteria provided, single submitter. Criteria: ACMG Guidelines, 2015. Collection method: clinical testing. Allele origin: germline. Affected: no.

Labcorp Genetics (formerly Invitae), Labcorp
Classification: Uncertain significance for Microcephaly, normal intelligence and immunodeficiency. Last evaluated: 2020-05-27. Review status: criteria provided, single submitter. Criteria: Invitae Variant Classification Sherloc (09022015). Collection method: clinical testing. Allele origin: germline.
Comment: This sequence change deletes 1 nucleotide from exon 15 of the NBN mRNA (c.2232delT), causing a frameshift at codon 744. This creates a premature translational stop signal in the last exon of the NBN mRNA (p.Phe744Leufs*7). While this is not anticipated to result in nonsense mediated decay, it is expected to disrupt the last 11 amino acids of the NBN protein. This variant is not present in population databases (ExAC no frequency) and has not been reported in the literature in individuals with an NBN-related disease. Experimental studies have not been reported for this truncating variant and it is currently unknown if the last 11 amino acids of the NBN protein are critical for its function. In summary, this is a novel truncation with uncertain impact on protein function. It has been classified as a Variant of Uncertain Significance.

PreventionGenetics, part of Exact Sciences
Classification: Uncertain significance. Last evaluated: 2017-03-27. Review status: criteria provided, single submitter. Criteria: ACMG Guidelines, 2015. Collection method: clinical testing. Allele origin: germline.

NM_002485.5(NBN):c.2232del (p.Phe744fs)

Gene: NBN (nibrin; minus strand). Cytogenetic location: 8q21.3.
Variant type: Deletion.
Coding change: c.2232del on transcript NM_002485.5 (MANE Select); coding-DNA position 2232, one base deleted (T; older notation c.2232delT).
Protein change: p.Phe744fs; shifts the reading frame from phenylalanine 744.
Molecular consequence: frameshift variant.
Genome position (GRCh38, 1-based): chr8:89,937,028, A deleted on the plus strand (T on the coding strand, the reverse complement: NBN is on the minus strand); the first of 5 consecutive A bases (chr8:89,937,028-89,937,032); deleting any one gives the same sequence. VCF-style (leftmost placement, unchanged base first): chr8-89937027-TA-T. GRCh37 (hg19) VCF-style: chr8-90949255-TA-T.
Other names: c.2232delT (NM_002485.4); c.1986del, p.Phe662fs (NM_001024688.3); short protein forms F744fs, F662fs.
Identifiers: ClinVar variation 461548 (VCV000461548.9), dbSNP rs1554554233, ClinGen allele CA658657783.